The following is an entry in ClinVar:

NM_004260.4(RECQL4):c.170G>A (p.Gly57Asp)

Genes: RECQL4 (RecQ like helicase 4; minus strand), LOC130001411 (ATAC-STARR-seq lymphoblastoid silent region 19699; plus strand). Cytogenetic location: 8q24.3.
Variant type: single nucleotide variant.
Coding change: c.170G>A on transcript NM_004260.4 (MANE Select); coding-DNA position 170, G replaced by A.
Protein change: p.Gly57Asp; replaces glycine 57 with aspartic acid.
Molecular consequence: missense variant.
Genome position (GRCh38, 1-based): chr8:144,517,457, C>T on the plus strand (G>A on the coding strand, the complement: RECQL4 is on the minus strand). VCF-style: chr8-144517457-C-T. GRCh37 (hg19) VCF-style: chr8-145742841-C-T.
Other names: c.170G>A, p.Gly57Asp (NM_001413017.1, NM_001413018.1, NM_001413019.1 and 5 more transcripts); c.-551G>A (NM_001413021.1); c.-902G>A (NM_001413022.1, NM_001413023.1, NM_001413037.1 and 2 more transcripts); c.-799G>A (NM_001413024.1, NM_001413035.1); c.-964G>A (NM_001413027.1, NM_001413030.1, NM_001413031.1 and 1 more transcripts); c.-627G>A (NM_001413028.1); c.-861G>A (NM_001413032.1); c.-806G>A (NM_001413034.1); and 2 more; short protein forms G57D.
Identifiers: ClinVar variation 1907278 (VCV001907278.6), dbSNP rs2538122819, ClinGen allele CA372692627.

ClinVar aggregate classification (germline): Uncertain significance. Review status: criteria provided, multiple submitters, no conflicts (2 of 4 stars). 2 submissions from 2 submitters: Uncertain significance (2). Last evaluated 2025-09-13.

Conditions:
Baller-Gerold syndrome (BGS). Also called: CRANIOSYNOSTOSIS WITH RADIAL DEFECTS. Identifiers: Orphanet 1225, MedGen C0265308, MONDO:0009039, OMIM 218600.
Inborn genetic diseases. Identifiers: MedGen C0950123, MeSH D030342.

Allele frequency attached by ClinVar (database versions not stated): gnomAD exomes below 0.00001.

Submissions (2):

Ambry Genetics
Classification: Uncertain significance for Inborn genetic diseases. Last evaluated: 2025-09-13. Review status: criteria provided, single submitter. Criteria: Ambry Variant Classification Scheme 2023. Collection method: clinical testing. Allele origin: germline.
Comment: The p.G57D variant (also known as c.170G>A), located in coding exon 3 of the RECQL4 gene, results from a G to A substitution at nucleotide position 170. The glycine at codon 57 is replaced by aspartic acid, an amino acid with similar properties. This amino acid position is conserved. In addition, this alteration is predicted to be tolerated by in silico analysis. Based on the available evidence, the clinical significance of this variant remains unclear.

Labcorp Genetics (formerly Invitae), Labcorp
Classification: Uncertain significance for Baller-Gerold syndrome. Last evaluated: 2022-10-12. Review status: criteria provided, single submitter. Criteria: Invitae Variant Classification Sherloc (09022015). Collection method: clinical testing. Allele origin: germline.
Comment: In summary, the available evidence is currently insufficient to determine the role of this variant in disease. Therefore, it has been classified as a Variant of Uncertain Significance. Experimental studies and prediction algorithms are not available or were not evaluated, and the functional significance of this variant is currently unknown. This variant has not been reported in the literature in individuals affected with RECQL4-related conditions. This variant is not present in population databases (gnomAD no frequency). This sequence change replaces glycine, which is neutral and non-polar, with aspartic acid, which is acidic and polar, at codon 57 of the RECQL4 protein (p.Gly57Asp).